The following is an entry in ClinVar:

ClinVar aggregate classification (germline): Uncertain significance (1 of 4 stars; one submission).

Conditions:
Neuropathy, hereditary sensory, type 2C. Also called: KIF1A-Related HSAN2 (HSAN2C); Hereditary sensory and autonomic neuropathy type IIC. Identifiers: Orphanet 970, MedGen C3280168, MONDO:0013634, OMIM 614213.
Hereditary spastic paraplegia 30. Identifiers: Orphanet 101010, MedGen C5235139, MONDO:0012476.
Intellectual disability, autosomal dominant 9 (NESCAVS). Also called: NESCAV SYNDROME; KIF1A-Related Neurodevelopmental Disorder. Identifiers: Orphanet 662367, MedGen C5393830, MONDO:0013656, OMIM 614255.

Allele frequency attached by ClinVar (database versions not stated): gnomAD exomes below 0.00001; TOPMed below 0.00001; gnomAD 0.00001; ExAC 0.00002.
gnomAD v4.1: 2 of 1,600,570 alleles (0.00012%); highest among the groups gnomAD compares: Non-Finnish European, 0.00017%; no homozygotes.

Submission:

Labcorp Genetics (formerly Invitae), Labcorp
Classification: Uncertain significance for Hereditary spastic paraplegia 30; Neuropathy, hereditary sensory, type 2C; Intellectual disability, autosomal dominant 9. Last evaluated: 2024-01-24. Review status: criteria provided, single submitter. Criteria: Invitae Variant Classification Sherloc (09022015). Collection method: clinical testing. Allele origin: germline.
Comment: This sequence change replaces lysine, which is basic and polar, with glutamic acid, which is acidic and polar, at codon 1132 of the KIF1A protein (p.Lys1132Glu). This variant is not present in population databases (gnomAD no frequency). This variant has not been reported in the literature in individuals affected with KIF1A-related conditions. Advanced modeling of protein sequence and biophysical properties (such as structural, functional, and spatial information, amino acid conservation, physicochemical variation, residue mobility, and thermodynamic stability) performed at Invitae indicates that this missense variant is not expected to disrupt KIF1A protein function with a negative predictive value of 95%. In summary, the available evidence is currently insufficient to determine the role of this variant in disease. Therefore, it has been classified as a Variant of Uncertain Significance.

NM_001244008.2(KIF1A):c.3697A>G (p.Lys1233Glu)

Gene: KIF1A (kinesin family member 1A; minus strand). Cytogenetic location: 2q37.3.
Variant type: single nucleotide variant.
Coding change: c.3697A>G on transcript NM_001244008.2 (MANE Select); coding-DNA position 3697, A replaced by G.
Protein change: p.Lys1233Glu; replaces lysine 1233 with glutamic acid.
Molecular consequence: missense variant.
Genome position (GRCh38, 1-based): chr2:240,741,321, T>C on the plus strand (A>G on the coding strand, the complement: KIF1A is on the minus strand). VCF-style: chr2-240741321-T-C. GRCh37 (hg19) VCF-style: chr2-241680738-T-C.
Other names: c.3421A>G, p.Lys1141Glu (NM_001320705.2, NM_001330289.2, NM_001379638.1); c.3496A>G, p.Lys1166Glu (NM_001330290.2, NM_001379634.1, NM_001379635.1 and 1 more transcripts); c.3772A>G, p.Lys1258Glu (NM_001379631.1); c.3646A>G, p.Lys1216Glu (NM_001379632.1); c.3670A>G, p.Lys1224Glu (NM_001379633.1, NM_001379642.1, NM_001379645.1); c.3394A>G, p.Lys1132Glu (NM_001379636.1, NM_001379639.1, NM_001379641.1 and 6 more transcripts); c.3469A>G, p.Lys1157Glu (NM_001379637.1, NM_001379648.1); c.3391A>G, p.Lys1131Glu (NM_001379640.1); short protein forms K1132E, K1157E, K1216E, K1233E, K1131E, K1141E, K1166E, K1224E.
Identifiers: ClinVar variation 2947057 (VCV002947057.3), dbSNP rs761958120, ClinGen allele CA2207697.